The following is an entry in ClinVar:

ClinVar aggregate classification (germline): Pathogenic (1 of 4 stars; one submission).

Submission:

Labcorp Genetics (formerly Invitae), Labcorp
Classification: Pathogenic. Last evaluated: 2025-11-03. Review status: criteria provided, single submitter. Criteria: Invitae Variant Classification Sherloc (09022015). Collection method: clinical testing. Allele origin: germline.
Comment: This sequence change creates a premature translational stop signal (p.Leu417Profs*58) in the KMT2B gene. It is expected to result in an absent or disrupted protein product. Loss-of-function variants in KMT2B are known to be pathogenic (PMID: 27839873, 27992417). This variant is not present in population databases (gnomAD no frequency). This variant has not been reported in the literature in individuals affected with KMT2B-related conditions. For these reasons, this variant has been classified as Pathogenic.

Literature cited by the submitters: PubMed 27839873; PubMed 27992417.

NM_014727.3(KMT2B):c.1250del (p.Leu417fs)

Gene: KMT2B (lysine methyltransferase 2B; plus strand). Cytogenetic location: 19q13.12.
Variant type: Deletion.
Coding change: c.1250del on transcript NM_014727.3 (MANE Select); coding-DNA position 1250, one base deleted (T; older notation c.1250delT).
Protein change: p.Leu417fs; shifts the reading frame from leucine 417.
Molecular consequence: frameshift variant.
Genome position (GRCh38, 1-based): chr19:35,720,597, T deleted. VCF-style (leftmost placement, unchanged base first): chr19-35720596-CT-C. GRCh37 (hg19) VCF-style: chr19-36211498-CT-C.
Other names: short protein forms L417fs.
Identifiers: ClinVar variation 4796933 (VCV004796933.1).